The following is an entry in ClinVar:

NM_004444.5(EPHB4):c.650T>A (p.Val217Glu)

Gene: EPHB4 (EPH receptor B4; minus strand). Cytogenetic location: 7q22.1.
Variant type: single nucleotide variant.
Coding change: c.650T>A on transcript NM_004444.5 (MANE Select); coding-DNA position 650, T replaced by A.
Protein change: p.Val217Glu; replaces valine 217 with glutamic acid.
Molecular consequence: missense variant.
Genome position (GRCh38, 1-based): chr7:100,822,429, A>T on the plus strand (T>A on the coding strand, the complement: EPHB4 is on the minus strand). VCF-style: chr7-100822429-A-T. GRCh37 (hg19) VCF-style: chr7-100420051-A-T.
Other names: p.Val217Glu; short protein forms V217E.
Identifiers: ClinVar variation 1753962 (VCV001753962.3), dbSNP rs758312302, ClinGen allele CA4393244.

ClinVar aggregate classification (germline): Conflicting classifications of pathogenicity. Review status: criteria provided, conflicting classifications (1 of 4 stars). 2 submissions from 2 submitters: Uncertain significance (1); Likely benign (1). Last evaluated 2023-12-12.

Conditions:
Cardiovascular phenotype. Identifiers: MedGen CN230736.

Allele frequency attached by ClinVar (database versions not stated): gnomAD exomes 0.00004; TOPMed 0.00005; ExAC 0.00018.
gnomAD v4.1: 25 of 1,600,486 alleles (0.0016%); highest among the groups gnomAD compares: Admixed American, 0.043%; no homozygotes.

Submissions (2):

Mayo Clinic Laboratories, Mayo Clinic
Classification: Uncertain significance. Last evaluated: 2023-12-12. Review status: criteria provided, single submitter. Criteria: ACMG Guidelines, 2015. Collection method: clinical testing. Allele origin: germline. Observed: 1 variant allele.
Comment: BS1

Ambry Genetics
Classification: Likely benign for Cardiovascular phenotype. Last evaluated: 2021-11-09. Review status: criteria provided, single submitter. Criteria: Ambry Variant Classification Scheme 2023. Collection method: clinical testing. Allele origin: germline.